The following is an entry in ClinVar:

ClinVar aggregate classification (germline): Uncertain significance (1 of 4 stars; one submission).

Submission:

Dasa
Classification: Uncertain significance. Last evaluated: 2025-06-28. Review status: criteria provided, single submitter. Criteria: DASA Assertion Criteria. Collection method: clinical testing. Allele origin: germline.
Comment: NM_000080.4(CHRNE):c.1382C>A (p.Ala461Asp) is a missense variant that results in the substitution of alanine with aspartic acid. This variant is absent from population databases. Computational prediction algorithms are consistent with a deleterious effect. The currently available literature and clinical evidence are not sufficient to establish a definitive association between this variant and the reported condition. Therefore, this variant is classified as a variant of uncertain significance.

NM_000080.4(CHRNE):c.1382C>A (p.Ala461Asp)

Gene: CHRNE (cholinergic receptor nicotinic epsilon subunit; minus strand). Cytogenetic location: 17p13.2.
Variant type: single nucleotide variant.
Coding change: c.1382C>A on transcript NM_000080.4 (MANE Select); coding-DNA position 1382, C replaced by A.
Protein change: p.Ala461Asp; replaces alanine 461 with aspartic acid.
Molecular consequence: missense variant.
Genome position (GRCh38, 1-based): chr17:4,898,836, G>T on the plus strand (C>A on the coding strand, the complement: CHRNE is on the minus strand). VCF-style: chr17-4898836-G-T. GRCh37 (hg19) VCF-style: chr17-4802131-G-T.
Other names: short protein forms A461D.
Identifiers: ClinVar variation 4883354 (VCV004883354.2).
Genomic context (GRCh38, chr17:4,898,836, plus strand): 5'-CGGTTGAAGTAGGCCCCGAGGAAGATGAGGCTGGAGCCCACGCTGAAGAGCACCAGAGCG[G>T]CCCAGAAGCAGATGTTGTCAAGGGCATTCCCCATGCGCACCCAGTCGGACACTTCCTGGG-3'
Protein context (NP_000071.1, residues 451-471): GNALDNICFW[Ala461Asp]ALVLFSVGSS